The following is an entry in ClinVar:

ClinVar aggregate classification (germline): Benign/Likely benign. Review status: criteria provided, multiple submitters, no conflicts (2 of 4 stars). 14 submissions from 11 submitters: Benign (10); Likely benign (2). 2 of the submissions do not count toward it. Last evaluated 2026-10-01.

Conditions:
Pfeiffer syndrome (ACS5). Also called: ACS V. Identifiers: Orphanet 710, MedGen C0220658, MONDO:0007043, OMIM 101600.
Hypogonadotropic hypogonadism 2 with or without anosmia (HH2). Also called: FGFR1-Related GnRH Deficiency (Kallmann Syndrome 2); HYPOGONADOTROPIC HYPOGONADISM 2 WITHOUT ANOSMIA; HYPOGONADOTROPIC HYPOGONADISM 2 WITH OR WITHOUT ANOSMIA, SUSCEPTIBILITY TO; HYPOGONADOTROPIC HYPOGONADISM 2 WITHOUT ANOSMIA, SUSCEPTIBILITY TO. Identifiers: Orphanet 478, MedGen C1563720, MONDO:0007844, OMIM 147950. Disease mechanism: loss of function.
Craniosynostosis syndrome. Also called: Craniosynostosis. Identifiers: Orphanet 1531, MedGen C0010278, MeSH D003398, MONDO:0015469, HP:0001363.
Trigonocephaly 1 (TRIGNO1). Identifiers: Orphanet 3366, MedGen C0432122, MONDO:0008603, OMIM 190440.
Osteoglophonic dysplasia (OGD). Also called: Osteoglophonic dwarfism. Identifiers: Orphanet 2645, MedGen C0432283, MONDO:0008150, OMIM 166250.

Allele frequency attached by ClinVar (database versions not stated): 1000 Genomes Project 30x 0.00297; 1000 Genomes Project 0.00319; TOPMed 0.00412; ESP Exome Variant Server 0.00493; gnomAD 0.00559 and 0.00567; gnomAD exomes 0.00562; ExAC 0.00819.
gnomAD v4.1: 10,993 of 1,568,996 alleles (0.7%); highest among the groups gnomAD compares: Non-Finnish European, 0.78%; 54 homozygotes.

Submissions (14):

CeGaT Center for Human Genetics Tuebingen
Classification: Benign. Last evaluated: 2026-10-01. Review status: criteria provided, single submitter. Criteria: CeGaT Center For Human Genetics Tuebingen Variant Classification Criteria Version 2. Collection method: clinical testing. Allele origin: germline. Affected: yes. Observed: 31 variant alleles.
Comment: FGFR1: BP4, BS1, BS2

Labcorp Genetics (formerly Invitae), Labcorp
Classification: Benign for Pfeiffer syndrome; Hypogonadotropic hypogonadism 2 with or without anosmia. Last evaluated: 2026-01-30. Review status: criteria provided, single submitter. Criteria: Invitae Variant Classification Sherloc (09022015). Collection method: clinical testing. Allele origin: germline.

Mayo Clinic Laboratories, Mayo Clinic
Classification: Likely benign. Last evaluated: 2025-02-03. Review status: criteria provided, single submitter. Criteria: ACMG Guidelines, 2015. Collection method: clinical testing. Allele origin: germline. Observed: 1 variant allele.
Comment: BS1, BP4, BP7

Blueprint Genetics
Classification: Likely benign. Last evaluated: 2024-11-15. Review status: criteria provided, single submitter. Criteria: ACMG Guidelines, 2015. Collection method: clinical testing. Allele origin: germline.

ARUP Laboratories, Molecular Genetics and Genomics, ARUP Laboratories
Classification: Benign. Last evaluated: 2024-07-02. Review status: criteria provided, single submitter. Criteria: ARUP Molecular Germline Variant Investigation Process 2024. Collection method: clinical testing. Allele origin: germline.

Athena Diagnostics
Classification: Benign. Last evaluated: 2018-11-23. Review status: criteria provided, single submitter. Criteria: Athena Diagnostics Criteria. Collection method: clinical testing. Allele origin: germline.

Illumina Laboratory Services, Illumina
Classification: Benign for Hypogonadotropic hypogonadism 2 with or without anosmia. Last evaluated: 2018-01-12. Review status: criteria provided, single submitter. Criteria: ICSL Variant Classification Criteria 13 December 2019. Collection method: clinical testing. Allele origin: germline.
Comment: This variant was observed in the ICSL laboratory as part of a predisposition screen in an ostensibly healthy population. It had not been previously curated by ICSL or reported in the Human Gene Mutation Database (HGMD: prior to June 1st, 2018), and was therefore a candidate for classification through an automated scoring system. Utilizing variant allele frequency, disease prevalence and penetrance estimates, and inheritance mode, an automated score was calculated to assess if this variant is too frequent to cause the disease. Based on the score and internal cut-off values, a variant classified as benign is not then subjected to further curation. The score for this variant resulted in a classification of benign for this disease.

Illumina Laboratory Services, Illumina
Classification: Benign for Trigonocephaly 1. Last evaluated: 2018-01-12. Review status: criteria provided, single submitter. Criteria: ICSL Variant Classification Criteria 13 December 2019. Collection method: clinical testing. Allele origin: germline.
Comment: the same text as in the submission from Illumina Laboratory Services, Illumina above.

Illumina Laboratory Services, Illumina
Classification: Benign for Craniosynostosis. Last evaluated: 2018-01-12. Review status: criteria provided, single submitter. Criteria: ICSL Variant Classification Criteria 13 December 2019. Collection method: clinical testing. Allele origin: germline.
Comment: the same text as in the submission from Illumina Laboratory Services, Illumina above.

Illumina Laboratory Services, Illumina
Classification: Benign for Osteoglophonic dysplasia. Last evaluated: 2018-01-12. Review status: criteria provided, single submitter. Criteria: ICSL Variant Classification Criteria 13 December 2019. Collection method: clinical testing. Allele origin: germline.
Comment: the same text as in the submission from Illumina Laboratory Services, Illumina above.

GeneDx
Classification: Benign. Last evaluated: 2015-03-03. Review status: criteria provided, single submitter. Criteria: GeneDx Variant Classification Process June 2021. Collection method: clinical testing. Allele origin: germline. Affected: yes.

Eurofins Ntd Llc (ga)
Classification: Benign. Last evaluated: 2015-02-05. Review status: criteria provided, single submitter. Criteria: EGL Classification Definitions 2015. Collection method: clinical testing. Allele origin: germline. Observed: 1 variant allele, 1 heterozygote.

Clinical Genetics, Academic Medical Center
Classification: Benign. Review status: no assertion criteria provided. Collection method: clinical testing. Allele origin: germline. Affected: yes. Study: VKGL Data-share Consensus. Not counted in ClinVar's aggregate classification.

Genome Diagnostics Laboratory, University Medical Center Utrecht
Classification: Benign. Review status: no assertion criteria provided. Collection method: clinical testing. Allele origin: germline. Affected: yes. Study: VKGL Data-share Consensus. Not counted in ClinVar's aggregate classification.

NM_023110.3(FGFR1):c.345C>T (p.Ser115=)

Gene: FGFR1 (fibroblast growth factor receptor 1; minus strand). Cytogenetic location: 8p11.23.
Variant type: single nucleotide variant.
Coding change: c.345C>T on transcript NM_023110.3 (MANE Select); coding-DNA position 345, C replaced by T.
Protein change: p.Ser115=; no amino-acid change (serine 115 retained).
Molecular consequence: synonymous variant. On other transcripts: intron variant (5).
Genome position (GRCh38, 1-based): chr8:38,429,695, G>A on the plus strand (C>T on the coding strand, the complement: FGFR1 is on the minus strand). VCF-style: chr8-38429695-G-A. GRCh37 (hg19) VCF-style: chr8-38287213-G-A.
Other names: p.Ser115=; c.345C>T, p.Ser115= (NM_001174063.2, NM_001174065.2, NM_001354367.2 and 2 more transcripts); c.321C>T, p.Ser107= (NM_001174064.2); c.444C>T, p.Ser148= (NM_001174067.2); c.92-1260C>T (NM_001354368.2, NM_001354370.2, NM_023106.3 and 2 more transcripts).
Identifiers: ClinVar variation 196513 (VCV000196513.56), dbSNP rs2915665, ClinGen allele CA202421.
Genomic context (GRCh38, chr8:38,429,695, plus strand): 5'-GAGGGGGTGGGTCTAGGGAGGGGCAAGGGCAGGGCTTGGCTACCAACCTGAAACATTGAC[G>A]GAGAAGTAGGTGGTGTCACTGCCCGAGGGGCTGCTGGTTACGCAAGCATAGAGGCCGGAG-3'
Protein context (NP_075598.2, residues 105-125): SPSGSDTTYF[Ser115=]VNVSDALPSS